The following is an entry in ClinVar:

NM_198904.4(GABRG2):c.748G>T (p.Glu250Ter)

Gene: GABRG2 (gamma-aminobutyric acid type A receptor subunit gamma2; plus strand). Cytogenetic location: 5q34.
Variant type: single nucleotide variant.
Coding change: c.748G>T on transcript NM_198904.4 (MANE Select); coding-DNA position 748, G replaced by T.
Protein change: p.Glu250Ter; replaces glutamic acid 250 with a stop codon.
Molecular consequence: nonsense.
Genome position (GRCh38, 1-based): chr5:162,104,005, G>T. VCF-style: chr5-162104005-G-T. GRCh37 (hg19) VCF-style: chr5-161531011-G-T.
Other names: c.748G>T, p.Glu250Ter (NM_000816.3, NM_001375340.1, NM_001375341.1 and 2 more transcripts); c.739G>T, p.Glu247Ter (NM_001375339.1); c.868G>T, p.Glu290Ter (NM_001375343.1, NM_198903.2); c.682G>T, p.Glu228Ter (NM_001375345.1, NM_001375346.1); c.661G>T, p.Glu221Ter (NM_001375347.1); c.328G>T, p.Glu110Ter (NM_001375348.1, NM_001375350.1); c.463G>T, p.Glu155Ter (NM_001375349.1); short protein forms E110*, E155*, E228*, E247*, E290*, E221*, E250*.
Identifiers: ClinVar variation 945040 (VCV000945040.8), dbSNP rs549251133, ClinGen allele CA362185221.
Genomic context (GRCh38, chr5:162,104,005, plus strand): 5'-GGCGACACAAGATCCTGGAGGCTTTATCAATTCTCATTTGTTGGTCTAAGAAATACCACC[G>T]AAGTAGTGAAGACAACTTCCGGTAAGATGCACTGGCAAAGAATTTCAAGTGACCCTTCCA-3'

ClinVar aggregate classification (germline): Pathogenic (1 of 4 stars; one submission).

Conditions:
EPILEPSY, CHILDHOOD ABSENCE, SUSCEPTIBILITY TO, 2 (ECA2). Identifiers: Orphanet 64280, MedGen C1843244, OMIM 607681.
Febrile seizures, familial, 8 (FEB8). Also called: CONVULSIONS, FAMILIAL FEBRILE, 8. Identifiers: Orphanet 36387, MedGen C1969810, MONDO:0011891, OMIM 607681.

Submission:

Labcorp Genetics (formerly Invitae), Labcorp
Classification: Pathogenic for Febrile seizures, familial, 8; EPILEPSY, CHILDHOOD ABSENCE, SUSCEPTIBILITY TO, 2. Last evaluated: 2019-06-22. Review status: criteria provided, single submitter. Criteria: Invitae Variant Classification Sherloc (09022015). Collection method: clinical testing. Allele origin: germline.
Comment: For these reasons, this variant has been classified as Pathogenic. Truncating variants in GABRG2 are known to be pathogenic (PMID: 22539854, 22750526, 23720301, 24407264). This variant has not been reported in the literature in individuals with GABRG2-related conditions. This variant is not present in population databases (ExAC no frequency). This sequence change creates a premature translational stop signal (p.Glu250*) in the GABRG2 gene. It is expected to result in an absent or disrupted protein product.

Literature cited by the submitters: PubMed 22539854; PubMed 22750526; PubMed 23720301; PubMed 24407264.